The following is an entry in ClinVar:

NM_152383.5(DIS3L2):c.1375T>C (p.Ser459Pro)

Gene: DIS3L2 (DIS3 like 3'-5' exoribonuclease 2; plus strand). Cytogenetic location: 2q37.1.
Variant type: single nucleotide variant.
Coding change: c.1375T>C on transcript NM_152383.5 (MANE Select); coding-DNA position 1375, T replaced by C.
Protein change: p.Ser459Pro; replaces serine 459 with proline.
Molecular consequence: missense variant. On other transcripts: non-coding transcript variant (2).
Genome position (GRCh38, 1-based): chr2:232,249,296, T>C. VCF-style: chr2-232249296-T-C. GRCh37 (hg19) VCF-style: chr2-233114006-T-C.
Other names: c.1375T>C, p.Ser459Pro (NM_001257281.2); short protein forms S459P.
Identifiers: ClinVar variation 1720771 (VCV001720771.5), dbSNP rs2470049447, ClinGen allele CA351155472.

ClinVar aggregate classification (germline): Uncertain significance (1 of 4 stars; one submission).

Conditions:
Perlman syndrome (PRLMNS). Identifiers: Orphanet 2849, MedGen C0796113, MONDO:0009965, OMIM 267000.

Submission:

Labcorp Genetics (formerly Invitae), Labcorp
Classification: Uncertain significance for Perlman syndrome. Last evaluated: 2024-04-22. Review status: criteria provided, single submitter. Criteria: Invitae Variant Classification Sherloc (09022015). Collection method: clinical testing. Allele origin: germline.
Comment: This sequence change replaces serine, which is neutral and polar, with proline, which is neutral and non-polar, at codon 459 of the DIS3L2 protein (p.Ser459Pro). This variant is not present in population databases (gnomAD no frequency). This variant has not been reported in the literature in individuals affected with DIS3L2-related conditions. ClinVar contains an entry for this variant (Variation ID: 1720771). Advanced modeling of protein sequence and biophysical properties (such as structural, functional, and spatial information, amino acid conservation, physicochemical variation, residue mobility, and thermodynamic stability) performed at Invitae indicates that this missense variant is not expected to disrupt DIS3L2 protein function with a negative predictive value of 80%. In summary, the available evidence is currently insufficient to determine the role of this variant in disease. Therefore, it has been classified as a Variant of Uncertain Significance.